The following is an entry in ClinVar:

NM_001854.4(COL11A1):c.3319C>G (p.Gln1107Glu)

Gene: COL11A1 (collagen type XI alpha 1 chain; minus strand). Cytogenetic location: 1p21.1.
Variant type: single nucleotide variant.
Coding change: c.3319C>G on transcript NM_001854.4 (MANE Select); coding-DNA position 3319, C replaced by G.
Protein change: p.Gln1107Glu; replaces glutamine 1107 with glutamic acid.
Molecular consequence: missense variant. On other transcripts: non-coding transcript variant (1).
Genome position (GRCh38, 1-based): chr1:102,940,392, G>C on the plus strand (C>G on the coding strand, the complement: COL11A1 is on the minus strand). VCF-style: chr1-102940392-G-C. GRCh37 (hg19) VCF-style: chr1-103405948-G-C.
Other names: c.3202C>G, p.Gln1068Glu (NM_001190709.2); c.3355C>G, p.Gln1119Glu (NM_080629.3); c.2971C>G, p.Gln991Glu (NM_080630.4); short protein forms Q1068E, Q1107E, Q1119E, Q991E.
Identifiers: ClinVar variation 1063851 (VCV001063851.9), dbSNP rs1011001694, ClinGen allele CA27695552.
Genomic context (GRCh38, chr1:102,940,392, plus strand): 5'-CTCCGTCTTCCCCAGGGGAGCCGGCAGGACCAGCTGGCCCTGGGAGACCAACAGGACCTT[G>C]AACTCCATCTCTCCCTGCAGGCCCTTGGGGACCTTTTTCTCCCTGTATTGAATATCCAAA-3'
Protein context (NP_001845.3, residues 1097-1117): PQGPAGRDGV[Gln1107Glu]GPVGLPGPAG

ClinVar aggregate classification (germline): Uncertain significance (1 of 4 stars; one submission).

Allele frequency attached by ClinVar (database versions not stated): gnomAD exomes below 0.00001 and 0.00001; TOPMed below 0.00001.
gnomAD v4.1: 6 of 1,614,002 alleles (0.00037%); highest among the groups gnomAD compares: Non-Finnish European, 0.00051%; no homozygotes.

Submission:

Labcorp Genetics (formerly Invitae), Labcorp
Classification: Uncertain significance. Last evaluated: 2020-10-25. Review status: criteria provided, single submitter. Criteria: Invitae Variant Classification Sherloc (09022015). Collection method: clinical testing. Allele origin: germline.
Comment: In summary, the available evidence is currently insufficient to determine the role of this variant in disease. Therefore, it has been classified as a Variant of Uncertain Significance. Advanced modeling of protein sequence and biophysical properties (such as structural, functional, and spatial information, amino acid conservation, physicochemical variation, residue mobility, and thermodynamic stability) performed at Invitae indicates that this missense variant is not expected to disrupt COL11A1 protein function. This variant has not been reported in the literature in individuals with COL11A1-related conditions. This variant is not present in population databases (ExAC no frequency). This sequence change replaces glutamine with glutamic acid at codon 1107 of the COL11A1 protein (p.Gln1107Glu). The glutamine residue is highly conserved and there is a small physicochemical difference between glutamine and glutamic acid.